The following is an entry in ClinVar:

NM_000391.4(TPP1):c.1514C>T (p.Pro505Leu)

Gene: TPP1 (tripeptidyl peptidase 1; minus strand). Cytogenetic location: 11p15.4.
Variant type: single nucleotide variant.
Coding change: c.1514C>T on transcript NM_000391.4 (MANE Select); coding-DNA position 1514, C replaced by T.
Protein change: p.Pro505Leu; replaces proline 505 with leucine.
Molecular consequence: missense variant.
Genome position (GRCh38, 1-based): chr11:6,614,903, G>A on the plus strand (C>T on the coding strand, the complement: TPP1 is on the minus strand). VCF-style: chr11-6614903-G-A. GRCh37 (hg19) VCF-style: chr11-6636134-G-A.
Other names: short protein forms P505L.
Identifiers: ClinVar variation 1462114 (VCV001462114.4), dbSNP rs138941580, ClinGen allele CA379472321.

ClinVar aggregate classification (germline): Uncertain significance. Review status: criteria provided, multiple submitters, no conflicts (2 of 4 stars). 2 submissions from 2 submitters: Uncertain significance (2). Last evaluated 2022-07-01.

Allele frequency attached by ClinVar (database versions not stated): gnomAD exomes below 0.00001.
gnomAD v4.1: 2 of 1,614,098 alleles (0.00012%); highest among the groups gnomAD compares: African/African-American, 0.0013%; no homozygotes.

Submissions (2):

Labcorp Genetics (formerly Invitae), Labcorp
Classification: Uncertain significance. Last evaluated: 2022-07-01. Review status: criteria provided, single submitter. Criteria: Invitae Variant Classification Sherloc (09022015). Collection method: clinical testing. Allele origin: germline.
Comment: This sequence change replaces proline, which is neutral and non-polar, with leucine, which is neutral and non-polar, at codon 505 of the TPP1 protein (p.Pro505Leu). This variant is not present in population databases (gnomAD no frequency). This variant has not been reported in the literature in individuals affected with TPP1-related conditions. ClinVar contains an entry for this variant (Variation ID: 1462114). Advanced modeling of protein sequence and biophysical properties (such as structural, functional, and spatial information, amino acid conservation, physicochemical variation, residue mobility, and thermodynamic stability) performed at Invitae indicates that this missense variant is expected to disrupt TPP1 protein function. In summary, the available evidence is currently insufficient to determine the role of this variant in disease. Therefore, it has been classified as a Variant of Uncertain Significance.

Blueprint Genetics
Classification: Uncertain significance. Last evaluated: 2022-03-11. Review status: criteria provided, single submitter. Criteria: ACMG Guidelines, 2015. Collection method: clinical testing. Allele origin: germline.